The following is an entry in ClinVar:

NM_173660.5(DOK7):c.1054C>G (p.Leu352Val)

Gene: DOK7 (docking protein 7; plus strand). Cytogenetic location: 4p16.3.
Variant type: single nucleotide variant.
Coding change: c.1054C>G on transcript NM_173660.5 (MANE Select); coding-DNA position 1054, C replaced by G.
Protein change: p.Leu352Val; replaces leucine 352 with valine.
Molecular consequence: missense variant. On other transcripts: 3 prime UTR variant (1).
Genome position (GRCh38, 1-based): chr4:3,493,040, C>G. VCF-style: chr4-3493040-C-G. GRCh37 (hg19) VCF-style: chr4-3494767-C-G.
Other names: c.*275C>G (NM_001164673.2); c.124C>G, p.Leu42Val (NM_001256896.2); c.1054C>G, p.Leu352Val (NM_001301071.2); c.622C>G, p.Leu208Val (NM_001363811.2); short protein forms L352V, L208V, L42V.
Identifiers: ClinVar variation 534114 (VCV000534114.6), dbSNP rs1037224921, ClinGen allele CA356117271.

ClinVar aggregate classification (germline): Uncertain significance (1 of 4 stars; one submission).

Conditions:
Fetal akinesia deformation sequence 1 (FADS1). Also called: Fetal akinesia sequence; Pena-Shokeir syndrome type I. Identifiers: Orphanet 994, MedGen C1276035, MONDO:0100101, OMIM 208150, HP:0001989.
Congenital myasthenic syndrome 10. Also called: Myasthenia, limb-girdle, familial. Identifiers: Orphanet 590, MedGen C1850792, MONDO:0009690, OMIM 254300.

gnomAD v4.1: 1 of 1,573,018 alleles (0.000064%); highest among the groups gnomAD compares: Non-Finnish European, 0.000086%; no homozygotes.

Submission:

Labcorp Genetics (formerly Invitae), Labcorp
Classification: Uncertain significance for Congenital myasthenic syndrome 10; Fetal akinesia deformation sequence 1. Last evaluated: 2022-07-25. Review status: criteria provided, single submitter. Criteria: Invitae Variant Classification Sherloc (09022015). Collection method: clinical testing. Allele origin: germline.
Comment: This sequence change replaces leucine, which is neutral and non-polar, with valine, which is neutral and non-polar, at codon 352 of the DOK7 protein (p.Leu352Val). This variant is not present in population databases (gnomAD no frequency). This variant has not been reported in the literature in individuals affected with DOK7-related conditions. ClinVar contains an entry for this variant (Variation ID: 534114). Algorithms developed to predict the effect of missense changes on protein structure and function are either unavailable or do not agree on the potential impact of this missense change (SIFT: "Deleterious"; PolyPhen-2: "Benign"; Align-GVGD: "Class C0"). In summary, the available evidence is currently insufficient to determine the role of this variant in disease. Therefore, it has been classified as a Variant of Uncertain Significance.